The following is an entry in ClinVar:

ClinVar aggregate classification (germline): Pathogenic (1 of 4 stars; one submission).

Conditions:
Primary ciliary dyskinesia. Also called: Ciliary dyskinesia. Identifiers: Orphanet 244, MedGen C0008780, MONDO:0016575, HP:0012265.

Submission:

Labcorp Genetics (formerly Invitae), Labcorp
Classification: Pathogenic for Primary ciliary dyskinesia. Last evaluated: 2023-11-28. Review status: criteria provided, single submitter. Criteria: Invitae Variant Classification Sherloc (09022015). Collection method: clinical testing. Allele origin: germline.
Comment: This sequence change creates a premature translational stop signal (p.Leu1800*) in the DNAH5 gene. It is expected to result in an absent or disrupted protein product. Loss-of-function variants in DNAH5 are known to be pathogenic (PMID: 11788826, 16627867). This variant is not present in population databases (gnomAD no frequency). This variant has not been reported in the literature in individuals affected with DNAH5-related conditions. For these reasons, this variant has been classified as Pathogenic.

Literature cited by the submitters: PubMed 11788826; PubMed 16627867.

NM_001369.3(DNAH5):c.5399T>A (p.Leu1800Ter)

Gene: DNAH5 (dynein axonemal heavy chain 5; minus strand). Cytogenetic location: 5p15.2.
Variant type: single nucleotide variant.
Coding change: c.5399T>A on transcript NM_001369.3 (MANE Select); coding-DNA position 5399, T replaced by A.
Protein change: p.Leu1800Ter; replaces leucine 1800 with a stop codon.
Molecular consequence: nonsense.
Genome position (GRCh38, 1-based): chr5:13,841,777, A>T on the plus strand (T>A on the coding strand, the complement: DNAH5 is on the minus strand). VCF-style: chr5-13841777-A-T. GRCh37 (hg19) VCF-style: chr5-13841886-A-T.
Other names: short protein forms L1800*.
Identifiers: ClinVar variation 2694897 (VCV002694897.3), dbSNP rs1580524265, ClinGen allele CA359211486.
Genomic context (GRCh38, chr5:13,841,777, plus strand): 5'-TCAGTTAGTTGGAAACCTGTTTCTTGAATATTTGCGGCTGCCTGGCGAATCACAAGATGC[A>T]ATGAGGACTGAGATTCTTCCAAAAGAGAATTAAGCCAAACTTCCACATTGCCCTCTGCCA-3'